The following is an entry in ClinVar:

NM_004958.4(MTOR):c.7301-8C>G

Gene: MTOR (mechanistic target of rapamycin kinase; minus strand). Cytogenetic location: 1p36.22.
Variant type: single nucleotide variant.
Coding change: c.7301-8C>G on transcript NM_004958.4 (MANE Select); 8 bases into the intron before coding-DNA position 7301, C replaced by G.
Molecular consequence: intron variant.
Genome position (GRCh38, 1-based): chr1:11,112,925, G>C on the plus strand (C>G on the coding strand, the complement: MTOR is on the minus strand). VCF-style: chr1-11112925-G-C. GRCh37 (hg19) VCF-style: chr1-11172982-G-C.
Other names: c.6053-8C>G (NM_001386501.1); c.7301-8C>G (NM_001386500.1).
Identifiers: ClinVar variation 1155306 (VCV001155306.33), dbSNP rs761587811, ClinGen allele CA588877.

ClinVar aggregate classification (germline): Likely benign. Review status: criteria provided, multiple submitters, no conflicts (2 of 4 stars). 3 submissions from 3 submitters: Likely benign (3). Last evaluated 2025-08-09.

Allele frequency attached by ClinVar (database versions not stated): gnomAD exomes below 0.00001 and 0.00001; TOPMed below 0.00001; ExAC 0.00001; gnomAD 0.00001.
gnomAD v4.1: 13 of 1,612,748 alleles (0.00081%); highest among the groups gnomAD compares: Non-Finnish European, 0.001%; no homozygotes.

Submissions (3):

Labcorp Genetics (formerly Invitae), Labcorp
Classification: Likely benign. Last evaluated: 2025-08-09. Review status: criteria provided, single submitter. Criteria: Invitae Variant Classification Sherloc (09022015). Collection method: clinical testing. Allele origin: germline.

Blueprint Genetics
Classification: Likely benign. Last evaluated: 2024-05-28. Review status: criteria provided, single submitter. Criteria: ACMG Guidelines, 2015. Collection method: clinical testing. Allele origin: germline.

CeGaT Center for Human Genetics Tuebingen
Classification: Likely benign. Last evaluated: 2022-04-01. Review status: criteria provided, single submitter. Criteria: CeGaT Center For Human Genetics Tuebingen Variant Classification Criteria Version 2. Collection method: clinical testing. Allele origin: germline. Affected: yes. Observed: 1 variant allele.
Comment: MTOR: BP4